The following is an entry in ClinVar:

ClinVar aggregate classification (germline): Uncertain significance (1 of 4 stars; one submission).

Conditions:
Hereditary cancer-predisposing syndrome. Also called: Neoplastic Syndromes, Hereditary; Tumor predisposition; Hereditary Cancer Syndrome; Hereditary neoplastic syndrome. Identifiers: Orphanet 140162, MedGen C0027672, MeSH D009386, MONDO:0015356.

Submission:

Ambry Genetics
Classification: Uncertain significance for Hereditary cancer-predisposing syndrome. Last evaluated: 2025-10-07. Review status: criteria provided, single submitter. Criteria: Ambry Variant Classification Scheme 2023. Collection method: clinical testing. Allele origin: germline.
Comment: The c.879_881delTGA variant (also known as p.D293del) is located in coding exon 9 of the BRCA2 gene. This variant results from an in-frame TGA deletion at nucleotide positions 879 to 881. This results in the in-frame deletion of an aspartic acid at codon 293. This amino acid position is not well conserved in available vertebrate species. In addition, the in silico prediction for this variant is inconclusive (Choi Y et al. PLoS ONE. 2012; 7(10):e46688). Based on the available evidence, the clinical significance of this variant remains unclear.

NM_000059.4(BRCA2):c.879_881del (p.Asp293del)

Gene: BRCA2 (BRCA2 DNA repair associated; plus strand). Cytogenetic location: 13q13.1.
Variant type: Deletion.
Coding change: c.879_881del on transcript NM_000059.4 (MANE Select); coding-DNA positions 879 to 881, 3 bases deleted (TGA; older notation c.879_881delTGA).
Protein change: p.Asp293del; deletes aspartic acid 293.
Molecular consequence: inframe deletion. On other transcripts: non-coding transcript variant (1), intron variant (1).
Genome position (GRCh38, 1-based): chr13:32,332,357-32,332,359, TGA deleted; deleting any 3 consecutive bases within chr13:32,332,355-32,332,359 gives the same sequence; the c. name uses the placement nearest the transcript's 3' end. VCF-style (leftmost placement, unchanged base first): chr13-32332354-AGAT-A. GRCh37 (hg19) VCF-style: chr13-32906491-AGAT-A.
Other names: c.879_881del, p.Asp293del (NM_001406719.1, NM_001406720.1, NM_001406721.1 and 1 more transcripts); c.424+1327_424+1329del (NM_001406722.1); short protein forms D293del.
Identifiers: ClinVar variation 4628757 (VCV004628757.1).
Genomic context (GRCh38, chr13:32,332,354, plus strand): 5'-TTCATTTAAAGTAAATAGCTGCAAAGACCACATTGGAAAGTCAATGCCAAATGTCCTAGA[AGAT>A]GAAGTATATGAAACAGTTGTAGATACCTCTGAAGAAGATAGTTTTTCATTATGTTTTTCT-3'